The following is an entry in ClinVar:

ClinVar aggregate classification (germline): Uncertain significance (1 of 4 stars; one submission).

Conditions:
Familial thoracic aortic aneurysm and aortic dissection (TAAD). Also called: Thoracic aortic aneurysms and dissections. Identifiers: Orphanet 91387, MedGen C4707243, MONDO:0019625.

Submission:

Color Diagnostics, LLC DBA Color Health
Classification: Uncertain significance for Familial thoracic aortic aneurysm and aortic dissection. Last evaluated: 2024-03-07. Review status: criteria provided, single submitter. Criteria: ACMG Guidelines, 2015. Collection method: clinical testing. Allele origin: germline.
Comment: This missense variant replaces asparagine with serine at codon 1000 of the FBN1 protein. Computational prediction tool suggests that this variant may not impact protein structure and function (internally defined REVEL score threshold <=0.5, PMID: 27666373). Splice site prediction tools suggest that this variant may not impact RNA splicing. To our knowledge, functional studies have not been performed for this variant. This variant has not been reported in individuals affected with cardiovascular disorders in the literature. This variant has not been identified in the general population by the Genome Aggregation Database (gnomAD). The available evidence is insufficient to determine the role of this variant in disease conclusively. Therefore, this variant is classified as a Variant of Uncertain Significance.

NM_000138.5(FBN1):c.2999A>G (p.Asn1000Ser)

Gene: FBN1 (fibrillin 1; minus strand). Cytogenetic location: 15q21.1.
Variant type: single nucleotide variant.
Coding change: c.2999A>G on transcript NM_000138.5 (MANE Select); coding-DNA position 2999, A replaced by G.
Protein change: p.Asn1000Ser; replaces asparagine 1000 with serine.
Molecular consequence: missense variant.
Genome position (GRCh38, 1-based): chr15:48,489,934, T>C on the plus strand (A>G on the coding strand, the complement: FBN1 is on the minus strand). VCF-style: chr15-48489934-T-C. GRCh37 (hg19) VCF-style: chr15-48782131-T-C.
Other names: short protein forms N1000S.
Identifiers: ClinVar variation 918728 (VCV000918728.4), dbSNP rs2043543012, ClinGen allele CA392329122.